The following is an entry in ClinVar:

NM_032043.3(BRIP1):c.1383T>G (p.Tyr461Ter)

Gene: BRIP1 (BRCA1 interacting DNA helicase 1; minus strand). Cytogenetic location: 17q23.2.
Variant type: single nucleotide variant.
Coding change: c.1383T>G on transcript NM_032043.3 (MANE Select); coding-DNA position 1383, T replaced by G.
Protein change: p.Tyr461Ter; replaces tyrosine 461 with a stop codon.
Molecular consequence: nonsense.
Genome position (GRCh38, 1-based): chr17:61,793,687, A>C on the plus strand (T>G on the coding strand, the complement: BRIP1 is on the minus strand). VCF-style: chr17-61793687-A-C. GRCh37 (hg19) VCF-style: chr17-59871048-A-C.
Other names: short protein forms Y461*.
Identifiers: ClinVar variation 216130 (VCV000216130.15), dbSNP rs587780875, ClinGen allele CA336051.

ClinVar aggregate classification (germline): Pathogenic/Likely pathogenic. Review status: criteria provided, multiple submitters, no conflicts (2 of 4 stars). 4 submissions from 4 submitters: Pathogenic (3); Likely pathogenic (1). Last evaluated 2024-10-29.

Conditions:
BRIP1-related disorder. Also called: BRIP1-related condition; BRIP1-related disorders. Identifiers: MedGen CN239206.
Hereditary cancer-predisposing syndrome. Also called: Neoplastic Syndromes, Hereditary; Tumor predisposition; Hereditary Cancer Syndrome; Hereditary neoplastic syndrome. Identifiers: Orphanet 140162, MedGen C0027672, MeSH D009386, MONDO:0015356.
Fanconi anemia complementation group J. Also called: BRIP1-Related Fanconi Anemia. Identifiers: Orphanet 84, MedGen C1836860, MONDO:0012187, OMIM 609054.
Familial cancer of breast. Also called: BREAST CANCER, FAMILIAL; Hereditary breast cancer; hereditary breast carcinoma. Identifiers: Orphanet 227535, MedGen C0346153, MONDO:0016419, OMIM 114480. Disease mechanism: loss of function.

Allele frequency attached by ClinVar (database versions not stated): ExAC 0.00001.
gnomAD v4.1: 2 of 1,610,654 alleles (0.00012%); highest among the groups gnomAD compares: Non-Finnish European, 0.00017%; no homozygotes.

Submissions (4):

Blueprint Genetics
Classification: Likely pathogenic for BRIP1-related disorders. Last evaluated: 2024-10-29. Review status: criteria provided, single submitter. Criteria: ACMG Guidelines, 2015. Collection method: clinical testing. Allele origin: germline. Affected: yes. Observed: 1 variant allele.

GeneDx
Classification: Pathogenic. Last evaluated: 2024-01-03. Review status: criteria provided, single submitter. Criteria: GeneDx Variant Classification Process June 2021. Collection method: clinical testing. Allele origin: germline. Affected: yes.
Comment: Nonsense variant predicted to result in protein truncation or nonsense mediated decay in a gene for which loss of function is a known mechanism of disease; Not observed at significant frequency in large population cohorts (gnomAD); This variant is associated with the following publications: (PMID: 33619228, 26689913, 29360161, 29368626, 32359370)

Labcorp Genetics (formerly Invitae), Labcorp
Classification: Pathogenic for Familial cancer of breast; Fanconi anemia complementation group J. Last evaluated: 2023-05-14. Review status: criteria provided, single submitter. Criteria: Invitae Variant Classification Sherloc (09022015). Collection method: clinical testing. Allele origin: germline.
Comment: This variant is not present in population databases (gnomAD no frequency). This sequence change creates a premature translational stop signal (p.Tyr461*) in the BRIP1 gene. It is expected to result in an absent or disrupted protein product. Loss-of-function variants in BRIP1 are known to be pathogenic (PMID: 16116423, 17033622, 21964575). For these reasons, this variant has been classified as Pathogenic. Algorithms developed to predict the effect of sequence changes on RNA splicing suggest that this variant may disrupt the consensus splice site. ClinVar contains an entry for this variant (Variation ID: 216130). This variant has not been reported in the literature in individuals affected with BRIP1-related conditions.

Ambry Genetics
Classification: Pathogenic for Hereditary cancer-predisposing syndrome. Last evaluated: 2020-09-23. Review status: criteria provided, single submitter. Criteria: Ambry Variant Classification Scheme 2023. Collection method: clinical testing. Allele origin: germline.
Comment: The p.Y461* pathogenic mutation (also known as c.1383T>G), located in coding exon 9 of the BRIP1 gene, results from a T to G substitution at nucleotide position 1383. This changes the amino acid from a tyrosine to a stop codon within coding exon 9. This alteration is expected to result in loss of function by premature protein truncation or nonsense-mediated mRNA decay. As such, this alteration is interpreted as a disease-causing mutation.

Literature cited by the submitters: PubMed 16116423 (cited by Labcorp Genetics (formerly Invitae), Labcorp); PubMed 17033622 (cited by Labcorp Genetics (formerly Invitae), Labcorp); PubMed 21964575 (cited by Labcorp Genetics (formerly Invitae), Labcorp).